The following is an entry in ClinVar:

NM_000257.4(MYH7):c.1350G>C (p.Lys450Asn)

Gene: MYH7 (myosin heavy chain 7; minus strand). Cytogenetic location: 14q11.2.
Variant type: single nucleotide variant.
Coding change: c.1350G>C on transcript NM_000257.4 (MANE Select); coding-DNA position 1350, G replaced by C.
Protein change: p.Lys450Asn; replaces lysine 450 with asparagine.
Molecular consequence: missense variant.
Genome position (GRCh38, 1-based): chr14:23,429,012, C>G on the plus strand (G>C on the coding strand, the complement: MYH7 is on the minus strand). VCF-style: chr14-23429012-C-G. GRCh37 (hg19) VCF-style: chr14-23898221-C-G.
Other names: c.1350G>C (LRG_384t1); short protein forms K450N.
Identifiers: ClinVar variation 432211 (VCV000432211.13), dbSNP rs1555338319, ClinGen allele CA389050810.

ClinVar aggregate classification (germline): Likely pathogenic. Review status: criteria provided, multiple submitters, no conflicts (2 of 4 stars). 2 submissions from 2 submitters: Likely pathogenic (2). Last evaluated 2023-12-22.

Conditions:
Hypertrophic cardiomyopathy. Also called: HYPERTROPHIC MYOCARDIOPATHY. Identifiers: Orphanet 217569, MedGen C0007194, MeSH D002312, MONDO:0005045, HP:0001639.

Submissions (2):

Labcorp Genetics (formerly Invitae), Labcorp
Classification: Likely pathogenic for Hypertrophic cardiomyopathy. Last evaluated: 2023-12-22. Review status: criteria provided, single submitter. Criteria: Invitae Variant Classification Sherloc (09022015). Collection method: clinical testing. Allele origin: germline.
Comment: This sequence change replaces lysine, which is basic and polar, with asparagine, which is neutral and polar, at codon 450 of the MYH7 protein (p.Lys450Asn). This variant is not present in population databases (gnomAD no frequency). This missense change has been observed in individuals with hypertrophic cardiomyopathy (PMID: 32492895; Invitae). ClinVar contains an entry for this variant (Variation ID: 432211). Advanced modeling of protein sequence and biophysical properties (such as structural, functional, and spatial information, amino acid conservation, physicochemical variation, residue mobility, and thermodynamic stability) performed at Invitae indicates that this missense variant is expected to disrupt MYH7 protein function with a positive predictive value of 95%. This variant disrupts the p.Lys450 amino acid residue in MYH7. Other variant(s) that disrupt this residue have been observed in individuals with MYH7-related conditions (PMID: 15563892, 32492895), which suggests that this may be a clinically significant amino acid residue. In summary, the currently available evidence indicates that the variant is pathogenic, but additional data are needed to prove that conclusively. Therefore, this variant has been classified as Likely Pathogenic.

GeneDx
Classification: Likely pathogenic. Last evaluated: 2022-06-27. Review status: criteria provided, single submitter. Criteria: GeneDx Variant Classification Process June 2021. Collection method: clinical testing. Allele origin: germline. Affected: yes.
Comment: Has not been previously published as pathogenic or benign to our knowledge; Not observed at significant frequency in large population cohorts (gnomAD); In silico analysis supports that this missense variant has a deleterious effect on protein structure/function; This variant is associated with the following publications: (PMID: 27532257, 29300372)

Literature cited by the submitters: PubMed 32492895 (cited by Labcorp Genetics (formerly Invitae), Labcorp); PubMed 15563892 (cited by Labcorp Genetics (formerly Invitae), Labcorp).